The following is an entry in ClinVar:

ClinVar aggregate classification (germline): Likely benign. Review status: criteria provided, multiple submitters, no conflicts (2 of 4 stars). 2 submissions from 2 submitters: Likely benign (2). Last evaluated 2021-10-27.

Conditions:
Congenital myasthenic syndrome 8. Also called: MYASTHENIC SYNDROME, CONGENITAL, DUE TO AGRIN DEFICIENCY; Myasthenic syndrome, congenital, 8, with pre- and postsynaptic defects. Identifiers: Orphanet 590, MedGen C3808739, MONDO:0014052, OMIM 615120.

Allele frequency attached by ClinVar (database versions not stated): TOPMed 0.00002; ExAC 0.00002; gnomAD 0.00001; gnomAD exomes 0.00001 and 0.00003.
gnomAD v4.1: 40 of 1,612,862 alleles (0.0025%); highest among the groups gnomAD compares: Non-Finnish European, 0.0031%; no homozygotes.

Submissions (2):

Labcorp Genetics (formerly Invitae), Labcorp
Classification: Likely benign for Congenital myasthenic syndrome 8. Last evaluated: 2021-10-27. Review status: criteria provided, single submitter. Criteria: Invitae Variant Classification Sherloc (09022015). Collection method: clinical testing. Allele origin: germline.

GeneDx
Classification: Likely benign. Last evaluated: 2016-10-12. Review status: criteria provided, single submitter. Criteria: GeneDx Variant Classification (06012015). Collection method: clinical testing. Allele origin: germline. Affected: yes.
Comment: This variant is considered likely benign or benign based on one or more of the following criteria: it is a conservative change, it occurs at a poorly conserved position in the protein, it is predicted to be benign by multiple in silico algorithms, and/or has population frequency not consistent with disease.

NM_198576.4(AGRN):c.2499T>C (p.Phe833=)

Gene: AGRN (agrin; plus strand). Cytogenetic location: 1p36.33.
Variant type: single nucleotide variant.
Coding change: c.2499T>C on transcript NM_198576.4 (MANE Select); coding-DNA position 2499, T replaced by C.
Protein change: p.Phe833=; no amino-acid change (phenylalanine 833 retained).
Molecular consequence: synonymous variant.
Genome position (GRCh38, 1-based): chr1:1,045,486, T>C. VCF-style: chr1-1045486-T-C. GRCh37 (hg19) VCF-style: chr1-980866-T-C.
Other names: c.2499T>C, p.Phe833= (NM_001305275.2); c.2184T>C, p.Phe728= (NM_001364727.2).
Identifiers: ClinVar variation 389918 (VCV000389918.8), dbSNP rs753858864, ClinGen allele CA508650.